The following is an entry in ClinVar:

ClinVar aggregate classification (germline): Uncertain significance (1 of 4 stars; one submission).

Allele frequency attached by ClinVar (database versions not stated): ExAC 0.00001; gnomAD 0.00001.
gnomAD v4.1: 2 of 1,611,964 alleles (0.00012%); highest among the groups gnomAD compares: Non-Finnish European, 0.00017%; no homozygotes.

Submission:

Labcorp Genetics (formerly Invitae), Labcorp
Classification: Uncertain significance. Last evaluated: 2023-12-22. Review status: criteria provided, single submitter. Criteria: Invitae Variant Classification Sherloc (09022015). Collection method: clinical testing. Allele origin: germline.
Comment: This sequence change replaces proline, which is neutral and non-polar, with leucine, which is neutral and non-polar, at codon 86 of the SLCO5A1 protein (p.Pro86Leu). This variant is not present in population databases (gnomAD no frequency). This variant has not been reported in the literature in individuals affected with SLCO5A1-related conditions. ClinVar contains an entry for this variant (Variation ID: 2030705). Algorithms developed to predict the effect of missense changes on protein structure and function output the following: SIFT: "Not Available"; PolyPhen-2: "Benign"; Align-GVGD: "Not Available". The leucine amino acid residue is found in multiple mammalian species, which suggests that this missense change does not adversely affect protein function. In summary, the available evidence is currently insufficient to determine the role of this variant in disease. Therefore, it has been classified as a Variant of Uncertain Significance.

NM_030958.3(SLCO5A1):c.257C>T (p.Pro86Leu)

Gene: SLCO5A1 (solute carrier organic anion transporter family member 5A1; minus strand). Cytogenetic location: 8q13.3.
Variant type: single nucleotide variant.
Coding change: c.257C>T on transcript NM_030958.3 (MANE Select); coding-DNA position 257, C replaced by T.
Protein change: p.Pro86Leu; replaces proline 86 with leucine.
Molecular consequence: missense variant.
Genome position (GRCh38, 1-based): chr8:69,832,417, G>A on the plus strand (C>T on the coding strand, the complement: SLCO5A1 is on the minus strand). VCF-style: chr8-69832417-G-A. GRCh37 (hg19) VCF-style: chr8-70744652-G-A.
Other names: c.257C>T, p.Pro86Leu (NM_001146008.2, NM_001146009.1); short protein forms P86L.
Identifiers: ClinVar variation 2030705 (VCV002030705.4), dbSNP rs748651742, ClinGen allele CA4776844.